The following is an entry in ClinVar:

ClinVar aggregate classification (germline): Benign (1 of 4 stars; one submission).

gnomAD v4.1: 960 of 1,073,244 alleles (0.089%); highest among the groups gnomAD compares: African/African-American, 1.6%; 11 homozygotes.

Submission:

Mayo Clinic Laboratories, Mayo Clinic
Classification: Benign. Last evaluated: 2023-06-14. Review status: criteria provided, single submitter. Criteria: ACMG Guidelines, 2015. Collection method: clinical testing. Allele origin: germline. Observed: 2 variant alleles.
Comment: BA1, BP4, BP7

NM_022834.5(VWA1):c.*4G>A

Gene: VWA1 (von Willebrand factor A domain containing 1; plus strand). Cytogenetic location: 1p36.33.
Variant type: single nucleotide variant.
Coding change: c.*4G>A on transcript NM_022834.5 (MANE Select); 4 bases downstream of the stop codon, G replaced by A.
Molecular consequence: 3 prime UTR variant.
Genome position (GRCh38, 1-based): chr1:1,439,791, G>A. VCF-style: chr1-1439791-G-A. GRCh37 (hg19) VCF-style: chr1-1375171-G-A.
Other names: c.*752G>A (NM_199121.3).
Identifiers: ClinVar variation 4683226 (VCV004683226.1).
Genomic context (GRCh38, chr1:1,439,791, plus strand): 5'-CGCCCACGCCCCGTGCCCCGCGCCCCGACCCCGGGGACCGCCAGCCGTGAGCCGTAAGCC[G>A]GCGTCCCCGCCCAGCCGAGAGGGCCGGCGCCTACCTGAGGGCCCCTGTGTCCCGAACCCG-3'